The following is an entry in ClinVar:

NM_005026.5(PIK3CD):c.371G>A (p.Gly124Asp)

Gene: PIK3CD (phosphatidylinositol-4,5-bisphosphate 3-kinase catalytic subunit delta; plus strand). Cytogenetic location: 1p36.22.
Variant type: single nucleotide variant.
Coding change: c.371G>A on transcript NM_005026.5 (MANE Select); coding-DNA position 371, G replaced by A.
Protein change: p.Gly124Asp; replaces glycine 124 with aspartic acid.
Molecular consequence: missense variant.
Genome position (GRCh38, 1-based): chr1:9,715,849, G>A. VCF-style: chr1-9715849-G-A. GRCh37 (hg19) VCF-style: chr1-9775907-G-A.
Other names: NM_005026.5:c.371G>A; c.371G>A, p.Gly124Asp (NM_001350234.2, NM_001350235.1); short protein forms G124D.
Identifiers: ClinVar variation 2733822 (VCV002733822.3), dbSNP rs2524811532, ClinGen allele CA338300460.
Genomic context (GRCh38, chr1:9,715,849, plus strand): 5'-CGTGTGGCCGGGCTGGCCCTGCCTGCCCCACCCGCTGACCCAGCCCTCCCCACCCCGCAG[G>A]CCTCCACGAGTTTGACTCCTTGTGCGACCCAGAAGTGAACGACTTTCGCGCCAAGATGTG-3'
Protein context (NP_005017.3, residues 114-134): NSQISLLIGK[Gly124Asp]LHEFDSLCDP

ClinVar aggregate classification (germline): Likely pathogenic. Review status: reviewed by expert panel (3 of 4 stars). 2 submissions from 2 submitters: Likely pathogenic (1). 1 of the submissions does not count toward it. Last evaluated 2025-12-19.

Conditions:
Immunodeficiency 14 (IMD14A). Also called: p110-DELTA-ACTIVATING MUTATION CAUSING SENESCENT T CELLS, LYMPHADENOPATHY, AND IMMUNODEFICIENCY; IMMUNODEFICIENCY 14A WITH LYMPHOPROLIFERATION, AUTOSOMAL DOMINANT; ACTIVATED PI3K-DELTA SYNDROME 1; Activated PI3K Delta Syndrome Type 1 (APDS1). Identifiers: Orphanet 397596, Orphanet 693661, MedGen C5907821, MONDO:0014222, OMIM 615513.

Submissions (2):

ClinGen Primary Immune Regulatory Disorders Variant Curation Expert Panel, ClinGen
Classification: Likely pathogenic for Immunodeficiency 14. Last evaluated: 2025-12-19. Review status: reviewed by expert panel. Criteria: ClinGen AbDef ACMG Specifications PIK3CD V1.0.0. Collection method: curation. Allele origin: germline. Inheritance: Autosomal dominant inheritance.
Comment: NM_005026.5(PIK3CD):c.371G>A (p.Gly124Asp) is a missense variant encoding the replacement of glycine with aspartic acid at amino acid 124. This variant is absent from gnomAD v4.1.0 (PM2_Supporting). At least one proband harboring this variant had a phenotype that included recurrent sinopulmonary infections including severe pneumonia and bronchiectasis (4 pts), lymphadenopathy and lymphadenitis (4 pts), Epstein-Barr virus infection, plantar warts (3 pts), decreased proportion of naive CD4 T cells, and reduced antibody responses to multiple vaccines, as well as markedly increased phospho-AKT levels in the patient's T cells, with genotyping by whole exome sequencing that did not identify an alternative basis for disease in the PIK3R1 gene, which together are highly specific for immunodeficiency 14 (11 total pts, PMID: 28414062, PP4_Moderate). This variant has been reported in at least 2 other apparently unrelated probands meeting the VCEP standard for phenotypic criteria, in addition to the proband already counted for PP4_Moderate. Both probands exceeded 6 phenotypic points with next-generation sequencing-based genotyping that did not identify an alternative basis for disease in the PIK3R1 gene (PS4_Moderate; PMID: 28428270). The computational predictor REVEL gives a score of 0.244, which is below the ClinGen Antibody Deficiencies VCEP threshold of >0.644 and does not predict a damaging effect on PIK3CD function. The computational predictor CADD gives a PHRED score of 32, which is above the ClinGen Antibody Deficiencies VCEP threshold of >25.3 and predicts a deleterious effect on PIK3CD function. Because the two predictors do not agree on a damaging effect, PP3 is not met. Cultured cells exogenously expressing the variant exhibit higher phospho-AKT (Ser473) signal relative to control cells (PMID: 28428270, PMID: 28414062). Lipid kinase phosphorylation signal associated with the variant was 10-fold to 15-fold higher than wild-type (PMID: 28414062). Hydrogen deuterium exchange mass spectrometry also showed increased exchange at the interfaces between the variant and PIK3R1 (PMID: 28414062, PS3_Supporting). In summary, this variant meets the criteria to be classified as likely pathogenic for autosomal dominant immunodeficiency 14 based on the ACMG/AMP criteria applied, as specified by the ClinGen Antibody Deficiencies VCEP: PM2_Supporting, PP4_Moderate, PS4_Moderate, and PS3_Supporting. (VCEP specifications version 1.0.0).

Labcorp Genetics (formerly Invitae), Labcorp
Classification: Likely pathogenic for Activated PI3K-delta syndrome. Last evaluated: 2024-01-02. Review status: criteria provided, single submitter. Criteria: Invitae Variant Classification Sherloc (09022015). Collection method: clinical testing. Allele origin: germline. Not counted in ClinVar's aggregate classification.
Comment: This sequence change replaces glycine, which is neutral and non-polar, with aspartic acid, which is acidic and polar, at codon 124 of the PIK3CD protein (p.Gly124Asp). This variant is not present in population databases (gnomAD no frequency). This missense change has been observed in individuals with clinical features of activated PI3K-delta syndrome (PMID: 28414062, 28428270, 32888943). An algorithm developed to predict the effect of missense changes on protein structure and function (PolyPhen-2) suggests that this variant is likely to be disruptive. Experimental studies have shown that this missense change affects PIK3CD function (PMID: 28414062). In summary, the currently available evidence indicates that the variant is pathogenic, but additional data are needed to prove that conclusively. Therefore, this variant has been classified as Likely Pathogenic.

Literature cited by the submitters: PubMed 28414062 (cited by Labcorp Genetics (formerly Invitae), Labcorp); PubMed 28428270 (cited by Labcorp Genetics (formerly Invitae), Labcorp); PubMed 32888943 (cited by Labcorp Genetics (formerly Invitae), Labcorp).